The following is an entry in ClinVar:

NM_000383.4(AIRE):c.202A>G (p.Thr68Ala)

Gene: AIRE (autoimmune regulator; plus strand). Cytogenetic location: 21q22.3.
Variant type: single nucleotide variant.
Coding change: c.202A>G on transcript NM_000383.4 (MANE Select); coding-DNA position 202, A replaced by G.
Protein change: p.Thr68Ala; replaces threonine 68 with alanine.
Molecular consequence: missense variant.
Genome position (GRCh38, 1-based): chr21:44,286,626, A>G. VCF-style: chr21-44286626-A-G. GRCh37 (hg19) VCF-style: chr21-45706509-A-G.
Other names: short protein forms T68A.
Identifiers: ClinVar variation 2737002 (VCV002737002.3), dbSNP rs940635763, ClinGen allele CA321787793.
Genomic context (GRCh38, chr21:44,286,626, plus strand): 5'-CATCTGAAGGAAAAGGAGGGCTGCCCCCAGGCCTTCCACGCCCTCCTGTCCTGGCTGCTG[A>G]CCCAGGACTCCACAGCCATCCTGGACTTCTGGAGGGTGCTGTTCAAGGACTACAACCTGG-3'
Protein context (NP_000374.1, residues 58-78): AFHALLSWLL[Thr68Ala]QDSTAILDFW

ClinVar aggregate classification (germline): Uncertain significance (1 of 4 stars; one submission).

Conditions:
Polyglandular autoimmune syndrome, type 1 (APS1). Also called: APS I; Autoimmune polyendocrine syndrome type 1; Whitaker syndrome; HYPOADRENOCORTICISM WITH HYPOPARATHYROIDISM AND SUPERFICIAL MONILIASIS; Autoimmune polyendocrinopathy syndrome, type I; PGA I. Identifiers: Orphanet 3453, MedGen C0085859, MONDO:0009411, OMIM 240300.

Allele frequency attached by ClinVar (database versions not stated): gnomAD exomes below 0.00001.
gnomAD v4.1: 6 of 1,612,988 alleles (0.00037%); highest among the groups gnomAD compares: African/African-American, 0.0013%; no homozygotes.

Submission:

Labcorp Genetics (formerly Invitae), Labcorp
Classification: Uncertain significance for Polyglandular autoimmune syndrome, type 1. Last evaluated: 2024-09-19. Review status: criteria provided, single submitter. Criteria: Invitae Variant Classification Sherloc (09022015). Collection method: clinical testing. Allele origin: germline.
Comment: This sequence change replaces threonine, which is neutral and polar, with alanine, which is neutral and non-polar, at codon 68 of the AIRE protein (p.Thr68Ala). This variant is not present in population databases (gnomAD no frequency). This variant has not been reported in the literature in individuals affected with AIRE-related conditions. Invitae Evidence Modeling of protein sequence and biophysical properties (such as structural, functional, and spatial information, amino acid conservation, physicochemical variation, residue mobility, and thermodynamic stability) has been performed for this missense variant. However, the output from this modeling did not meet the statistical confidence thresholds required to predict the impact of this variant on AIRE protein function. Experimental studies have shown that this missense change affects AIRE function (PMID: 17997173). In summary, the available evidence is currently insufficient to determine the role of this variant in disease. Therefore, it has been classified as a Variant of Uncertain Significance.

Literature cited by the submitters: PubMed 17997173.